The following is an entry in ClinVar:

ClinVar aggregate classification (germline): Uncertain significance (1 of 4 stars; one submission).

Allele frequency attached by ClinVar (database versions not stated): gnomAD exomes below 0.00001; gnomAD 0.00001; ExAC 0.00002; TOPMed 0.00003; 1000 Genomes Project 30x 0.00016; 1000 Genomes Project 0.00020.
gnomAD v4.1: 2 of 1,591,716 alleles (0.00013%); highest among the groups gnomAD compares: East Asian, 0.0045%; no homozygotes.

Submission:

Labcorp Genetics (formerly Invitae), Labcorp
Classification: Uncertain significance. Last evaluated: 2022-07-10. Review status: criteria provided, single submitter. Criteria: Invitae Variant Classification Sherloc (09022015). Collection method: clinical testing. Allele origin: germline.
Comment: This sequence change replaces serine, which is neutral and polar, with phenylalanine, which is neutral and non-polar, at codon 478 of the CYP19A1 protein (p.Ser478Phe). This variant is present in population databases (rs571532730, gnomAD 0.02%). This variant has not been reported in the literature in individuals affected with CYP19A1-related conditions. Algorithms developed to predict the effect of missense changes on protein structure and function are either unavailable or do not agree on the potential impact of this missense change (SIFT: "Deleterious"; PolyPhen-2: "Probably Damaging"; Align-GVGD: "Class C0"). In summary, the available evidence is currently insufficient to determine the role of this variant in disease. Therefore, it has been classified as a Variant of Uncertain Significance.

NM_000103.4(CYP19A1):c.1433C>T (p.Ser478Phe)

Genes: CYP19A1 (cytochrome P450 family 19 subfamily A member 1; minus strand), MIR4713HG (MIR4713 host gene; plus strand), PIRC66 (piwi-interacting RNA cluster 66; plus strand). Cytogenetic location: 15q21.2.
Variant type: single nucleotide variant.
Coding change: c.1433C>T on transcript NM_000103.4 (MANE Select); coding-DNA position 1433, C replaced by T.
Protein change: p.Ser478Phe; replaces serine 478 with phenylalanine.
Molecular consequence: missense variant.
Genome position (GRCh38, 1-based): chr15:51,210,887, G>A on the plus strand (C>T on the coding strand, the complement: CYP19A1 is on the minus strand). VCF-style: chr15-51210887-G-A. GRCh37 (hg19) VCF-style: chr15-51503084-G-A.
Other names: c.1433C>T, p.Ser478Phe (NM_001347248.1, NM_001347249.2, NM_001347250.2 and 7 more transcripts); short protein forms S478F.
Identifiers: ClinVar variation 2140804 (VCV002140804.1), dbSNP rs571532730, ClinGen allele CA7559779.